The following is an entry in ClinVar:

NM_144631.6(ZNF513):c.1493G>A (p.Gly498Glu)

Gene: ZNF513 (zinc finger protein 513; minus strand). Cytogenetic location: 2p23.3.
Variant type: single nucleotide variant.
Coding change: c.1493G>A on transcript NM_144631.6 (MANE Select); coding-DNA position 1493, G replaced by A.
Protein change: p.Gly498Glu; replaces glycine 498 with glutamic acid.
Molecular consequence: missense variant.
Genome position (GRCh38, 1-based): chr2:27,377,678, C>T on the plus strand (G>A on the coding strand, the complement: ZNF513 is on the minus strand). VCF-style: chr2-27377678-C-T. GRCh37 (hg19) VCF-style: chr2-27600545-C-T.
Other names: c.1307G>A, p.Gly436Glu (NM_001201459.2); short protein forms G436E, G498E.
Identifiers: ClinVar variation 4727525 (VCV004727525.1).
Genomic context (GRCh38, chr2:27,377,678, plus strand): 5'-GAGGGTGGGCTATGAGGTGGGGCCCAGCCCTCAGAGGCAGAGAGACCAGGCCCTCCTGCC[C>T]CACCGTGGCCATGCACCTTCTGGTGGCGCTTGTAGTTGTCCCAGTGGCCCGTGGTATAGG-3'
Protein context (NP_653232.3, residues 488-508): KRHQKVHGHG[Gly498Glu]AGGPGLSASE

ClinVar aggregate classification (germline): Uncertain significance (1 of 4 stars; one submission).

Submission:

Labcorp Genetics (formerly Invitae), Labcorp
Classification: Uncertain significance. Last evaluated: 2025-09-28. Review status: criteria provided, single submitter. Criteria: Invitae Variant Classification Sherloc (09022015). Collection method: clinical testing. Allele origin: germline.
Comment: This sequence change replaces glycine, which is neutral and non-polar, with glutamic acid, which is acidic and polar, at codon 498 of the ZNF513 protein (p.Gly498Glu). This variant is not present in population databases (gnomAD no frequency). This variant has not been reported in the literature in individuals affected with ZNF513-related conditions. An algorithm developed to predict the effect of missense changes on protein structure and function (PolyPhen-2) suggests that this variant is likely to be disruptive. Algorithms developed to predict the effect of sequence changes on RNA splicing suggest that this variant may create or strengthen a splice site. In summary, the available evidence is currently insufficient to determine the role of this variant in disease. Therefore, it has been classified as a Variant of Uncertain Significance.